The following is an entry in ClinVar:

ClinVar aggregate classification (germline): Likely benign (0 of 4 stars; one submission).

Conditions:
NBN-related disorder. Also called: NBN-related condition.

Submission:

PreventionGenetics, part of Exact Sciences
Classification: Likely benign for NBN-related condition. Last evaluated: 2022-09-28. Review status: no assertion criteria provided. Collection method: clinical testing. Allele origin: germline.
Comment: This variant is classified as likely benign based on ACMG/AMP sequence variant interpretation guidelines (Richards et al. 2015 PMID: 25741868, with internal and published modifications).

NM_002485.5(NBN):c.321-24_321-20del

Gene: NBN (nibrin; minus strand). Cytogenetic location: 8q21.3.
Variant type: Deletion.
Coding change: c.321-24_321-20del on transcript NM_002485.5 (MANE Select); 24 bases into the intron before coding-DNA position 321 through 20 bases into the intron before coding-DNA position 321, 5 bases deleted (TATTT; older notation c.321-24_321-20delTATTT).
Molecular consequence: intron variant.
Genome position (GRCh38, 1-based): chr8:89,980,913-89,980,917, AAATA deleted on the plus strand (TATTT on the coding strand, the reverse complement: NBN is on the minus strand); deleting any 5 consecutive bases within chr8:89,980,913-89,980,919 gives the same sequence; the c. name uses the placement nearest the transcript's 3' end. VCF-style (leftmost placement, unchanged base first): chr8-89980912-TAAATA-T. GRCh37 (hg19) VCF-style: chr8-90993140-TAAATA-T.
Other names: c.75-24_75-20del (NM_001024688.3).
Identifiers: ClinVar variation 3052368 (VCV003052368.2), dbSNP rs2488357563, ClinGen allele CA2740095090.